The following is an entry in ClinVar:

ClinVar aggregate classification (germline): Uncertain significance (1 of 4 stars; one submission).

Conditions:
Juvenile polyposis syndrome (JPS). Identifiers: Orphanet 2929, MedGen C0345893, MONDO:0017380, OMIM 174900.

Submission:

Labcorp Genetics (formerly Invitae), Labcorp
Classification: Uncertain significance for Juvenile polyposis syndrome. Last evaluated: 2024-04-04. Review status: criteria provided, single submitter. Criteria: Invitae Variant Classification Sherloc (09022015). Collection method: clinical testing. Allele origin: germline.
Comment: This sequence change replaces tyrosine, which is neutral and polar, with cysteine, which is neutral and slightly polar, at codon 328 of the SMAD4 protein (p.Tyr328Cys). This variant is not present in population databases (gnomAD no frequency). This variant has not been reported in the literature in individuals affected with SMAD4-related conditions. Advanced modeling of protein sequence and biophysical properties (such as structural, functional, and spatial information, amino acid conservation, physicochemical variation, residue mobility, and thermodynamic stability) has been performed at Invitae for this missense variant, however the output from this modeling did not meet the statistical confidence thresholds required to predict the impact of this variant on SMAD4 protein function. In summary, the available evidence is currently insufficient to determine the role of this variant in disease. Therefore, it has been classified as a Variant of Uncertain Significance.

NM_005359.6(SMAD4):c.983A>G (p.Tyr328Cys)

Gene: SMAD4 (SMAD family member 4; plus strand). Cytogenetic location: 18q21.2.
Variant type: single nucleotide variant.
Coding change: c.983A>G on transcript NM_005359.6 (MANE Select); coding-DNA position 983, A replaced by G.
Protein change: p.Tyr328Cys; replaces tyrosine 328 with cysteine.
Molecular consequence: missense variant. On other transcripts: non-coding transcript variant (2).
Genome position (GRCh38, 1-based): chr18:51,065,450, A>G. VCF-style: chr18-51065450-A-G. GRCh37 (hg19) VCF-style: chr18-48591820-A-G.
Other names: c.983A>G, p.Tyr328Cys (NM_001407041.1, NM_001407042.1, NM_001407043.1); short protein forms Y328C.
Identifiers: ClinVar variation 3637568 (VCV003637568.2).